The following is an entry in ClinVar:

NM_000143.4(FH):c.736C>T (p.Gln246Ter)

Gene: FH (fumarate hydratase; minus strand). Cytogenetic location: 1q43.
Variant type: single nucleotide variant.
Coding change: c.736C>T on transcript NM_000143.4 (MANE Select); coding-DNA position 736, C replaced by T.
Protein change: p.Gln246Ter; replaces glutamine 246 with a stop codon.
Molecular consequence: nonsense.
Genome position (GRCh38, 1-based): chr1:241,508,605, G>A on the plus strand (C>T on the coding strand, the complement: FH is on the minus strand). VCF-style: chr1-241508605-G-A. GRCh37 (hg19) VCF-style: chr1-241671905-G-A.
Other names: p.Q246*:CAG>TAG; NC_000001.10:g.241671905G>A; short protein forms Q246*.
Identifiers: ClinVar variation 214411 (VCV000214411.6), dbSNP rs863223998, ClinGen allele CA324662.

ClinVar aggregate classification (germline): Pathogenic (1 of 4 stars; one submission).

Allele frequency attached by ClinVar (database versions not stated): TOPMed below 0.00001.

Submissions (2):

GeneDx
Classification: Pathogenic. Last evaluated: 2021-08-06. Review status: criteria provided, single submitter. Criteria: GeneDx Variant Classification Process June 2021. Collection method: clinical testing. Allele origin: germline. Affected: yes.
Comment: Nonsense variant predicted to result in protein truncation or nonsense mediated decay in a gene for which loss-of-function is a known mechanism of disease; Not observed at significant frequency in large population cohorts (Lek et al., 2016); Has not been previously published as pathogenic or benign germline variant to our knowledge; This variant is associated with the following publications: (PMID: 31564060)

Dr. Peter K. Rogan Lab, Western University
No classification provided (evidence only). Condition: Ovarian serous cystadenocarcinoma. Review status: no classification provided. Collection method: in vitro. Allele origin: not applicable. Functional consequence: retained intron. Not counted in ClinVar's aggregate classification.